The following is an entry in ClinVar:

ClinVar aggregate classification (germline): Uncertain significance (0 of 4 stars; one submission).

Conditions:
BBS10-related disorder. Also called: BBS10-related condition.

Submission:

PreventionGenetics, part of Exact Sciences
Classification: Uncertain significance for BBS10-related condition. Last evaluated: 2023-10-24. Review status: no assertion criteria provided. Collection method: clinical testing. Allele origin: germline.
Comment: The BBS10 c.1787C>T variant is predicted to result in the amino acid substitution p.Ala596Val. To our knowledge, this variant has not been reported in the literature or in a large population database, indicating this variant is rare. At this time, the clinical significance of this variant is uncertain due to the absence of conclusive functional and genetic evidence.

NM_024685.4(BBS10):c.1787C>T (p.Ala596Val)

Gene: BBS10 (Bardet-Biedl syndrome 10; minus strand). Cytogenetic location: 12q21.2.
Variant type: single nucleotide variant.
Coding change: c.1787C>T on transcript NM_024685.4 (MANE Select); coding-DNA position 1787, C replaced by T.
Protein change: p.Ala596Val; replaces alanine 596 with valine.
Molecular consequence: missense variant.
Genome position (GRCh38, 1-based): chr12:76,346,198, G>A on the plus strand (C>T on the coding strand, the complement: BBS10 is on the minus strand). VCF-style: chr12-76346198-G-A. GRCh37 (hg19) VCF-style: chr12-76739978-G-A.
Other names: short protein forms A596V.
Identifiers: ClinVar variation 3348200 (VCV003348200.1).
Genomic context (GRCh38, chr12:76,346,198, plus strand): 5'-TTGAGAAGATAGTAATGTAACAAGATCTCAAAATTACCACCTACTGGCAAAACACAACCA[G>A]CTGGCATAGATGAGGAAAGGTAACTCTGGGAAGTACCCATATTCGGTAACTTACAGCTCA-3'
Protein context (NP_078961.3, residues 586-606): SQSYLSSSMP[Ala596Val]GCVLPVGGNF